The following is an entry in ClinVar:

NM_181507.2(HPS5):c.-91C>G

Genes: HPS5 (HPS5 biogenesis of lysosomal organelles complex 2 subunit 2; minus strand), LOC126861152 (BRD4-independent group 4 enhancer GRCh37_chr11:18343272-18344471; plus strand). Cytogenetic location: 11p15.1.
Variant type: single nucleotide variant.
Coding change: c.-91C>G on transcript NM_181507.2 (MANE Select); 91 bases upstream of the start codon, C replaced by G.
Molecular consequence: 5 prime UTR variant. On other transcripts: intron variant (14).
Genome position (GRCh38, 1-based): chr11:18,321,987, G>C on the plus strand (C>G on the coding strand, the complement: HPS5 is on the minus strand). VCF-style: chr11-18321987-G-C. GRCh37 (hg19) VCF-style: chr11-18343534-G-C.
Other names: c.-165C>G (NM_001440928.1, NM_001440922.1); c.-276C>G (NM_001440930.1, NM_007216.4, NM_001440923.1 and 2 more transcripts); c.-124+146C>G (NM_001440929.1); c.-50+146C>G (NM_001440931.1, NM_001440917.1, NM_001440906.1 and 1 more transcripts); c.-124+90C>G (NM_001440926.1); c.-235+90C>G (NM_001440925.1, NM_001440920.1); c.-50+90C>G (NM_001440914.1, NM_001440905.1, NM_001440903.1); c.-91C>G (NM_001440902.1, NM_001440904.1, NM_001440913.1 and 2 more transcripts); and 4 more.
Identifiers: ClinVar variation 303901 (VCV000303901.5), dbSNP rs4150527, ClinGen allele CA10638684.

ClinVar aggregate classification (germline): Benign (1 of 4 stars; one submission).

Conditions:
Hermansky-Pudlak syndrome 5 (HPS5). Identifiers: Orphanet 231512, Orphanet 79430, MedGen C3888004, MONDO:0013557, OMIM 614074.

Allele frequency attached by ClinVar (database versions not stated): gnomAD 0.00513; 1000 Genomes Project 0.00519; TOPMed 0.00527; 1000 Genomes Project 30x 0.00609.

Submission:

Illumina Laboratory Services, Illumina
Classification: Benign for Hermansky-Pudlak syndrome 5. Last evaluated: 2018-01-12. Review status: criteria provided, single submitter. Criteria: ICSL Variant Classification Criteria 13 December 2019. Collection method: clinical testing. Allele origin: germline.
Comment: This variant was observed in the ICSL laboratory as part of a predisposition screen in an ostensibly healthy population. It had not been previously curated by ICSL or reported in the Human Gene Mutation Database (HGMD: prior to June 1st, 2018), and was therefore a candidate for classification through an automated scoring system. Utilizing variant allele frequency, disease prevalence and penetrance estimates, and inheritance mode, an automated score was calculated to assess if this variant is too frequent to cause the disease. Based on the score and internal cut-off values, a variant classified as benign is not then subjected to further curation. The score for this variant resulted in a classification of benign for this disease.